The following is an entry in ClinVar:

ClinVar aggregate classification (germline): Pathogenic (1 of 4 stars; one submission).

Conditions:
Hereditary cancer-predisposing syndrome. Also called: Neoplastic Syndromes, Hereditary; Hereditary Cancer Syndrome; Tumor predisposition; Hereditary neoplastic syndrome. Identifiers: Orphanet 140162, MedGen C0027672, MeSH D009386, MONDO:0015356.

Submission:

Ambry Genetics
Classification: Pathogenic for Hereditary cancer-predisposing syndrome. Last evaluated: 2013-05-21. Review status: criteria provided, single submitter. Criteria: Ambry Autosomal Dominant and X-Linked criteria (10/2015). Collection method: clinical testing. Allele origin: germline. Observed: 1 variant allele.
Comment: This alteration is expected to result in loss of function by premature protein truncation or nonsense-mediatedâ€¯mRNAâ€¯decay.â€¯As such, this alteration is interpreted as a disease-causing mutation.

NM_000051.4(ATM):c.6403_6404insCT (p.Leu2135fs)

Genes: ATM (ATM serine/threonine kinase; plus strand), C11orf65 (chromosome 11 open reading frame 65; minus strand). Cytogenetic location: 11q22.3.
Variant type: Insertion.
Coding change: c.6403_6404insCT on transcript NM_000051.4 (MANE Select); coding-DNA positions 6403 to 6404, CT inserted.
Protein change: p.Leu2135fs; shifts the reading frame from leucine 2135.
Molecular consequence: frameshift variant. On other transcripts: intron variant (2).
Genome position: GRCh38 VCF-style: chr11-108320009-C-CCT. GRCh37 (hg19) VCF-style: chr11-108190736-C-CCT.
Other names: c.6403_6404insCT, p.Leu2135fs (NM_001351834.2); c.641-10939_641-10938insAG (NM_001330368.2); c.*39-10939_*39-10938insAG (NM_001351110.2); short protein forms L2135fs.
Identifiers: ClinVar variation 142570 (VCV000142570.5), dbSNP rs1555116468, ClinGen allele CA168731.
Genomic context (GRCh38, chr11:108,320,009, plus strand): 5'-CACAGCAAAGAAGTAGAAGGAACCAGTTACCATGAATCATTGTACAATGCTCTACAATCT[C>CCT]TAAGAGACAGAGAATTCTCTACATTTTATGAAAGTCTCAAATATGCCAGGTATTATGAAA-3'